The following is an entry in ClinVar:

NM_001164508.2(NEB):c.10015G>T (p.Val3339Leu)

Gene: NEB (nebulin; minus strand). Cytogenetic location: 2q23.3.
Variant type: single nucleotide variant.
Coding change: c.10015G>T on transcript NM_001164508.2 (MANE Select); coding-DNA position 10015, G replaced by T.
Protein change: p.Val3339Leu; replaces valine 3339 with leucine.
Molecular consequence: missense variant.
Genome position (GRCh38, 1-based): chr2:151,627,651, C>A on the plus strand (G>T on the coding strand, the complement: NEB is on the minus strand). VCF-style: chr2-151627651-C-A. GRCh37 (hg19) VCF-style: chr2-152484165-C-A.
Other names: c.10015G>T, p.Val3339Leu (NM_001164507.2, NM_001271208.2); c.9286G>T, p.Val3096Leu (NM_004543.5); short protein forms V3096L, V3339L.
Identifiers: ClinVar variation 2719623 (VCV002719623.3), dbSNP rs745641419, ClinGen allele CA1909145.
Genomic context (GRCh38, chr2:151,627,651, plus strand): 5'-CGTGCAGGTAGTTCTTGTAGTCCACATCGCTGACTAAGGTCTGGCACTTCTTGGCTAACA[C>A]CACTCCCAGCATGTCCACTGGGCTGCTGAACTTGGTCTTCCACTTCTCAAAGTCCTTCTT-3'
Protein context (NP_001157980.2, residues 3329-3349): FSSPVDMLGV[Val3339Leu]LAKKCQTLVS

ClinVar aggregate classification (germline): Uncertain significance (1 of 4 stars; one submission).

Conditions:
Nemaline myopathy 2 (NEM2). Also called: Nemaline myopathy 2, autosomal recessive. Identifiers: MedGen C1850569, MONDO:0009725, OMIM 256030.

Allele frequency attached by ClinVar (database versions not stated): ExAC 0.00001.
gnomAD v4.1: 5 of 1,613,972 alleles (0.00031%); highest among the groups gnomAD compares: Non-Finnish European, 0.00042%; no homozygotes.

Submission:

Labcorp Genetics (formerly Invitae), Labcorp
Classification: Uncertain significance for Nemaline myopathy 2. Last evaluated: 2022-12-27. Review status: criteria provided, single submitter. Criteria: Invitae Variant Classification Sherloc (09022015). Collection method: clinical testing. Allele origin: germline.
Comment: This variant is present in population databases (rs745641419, gnomAD 0.0009%). This sequence change replaces valine, which is neutral and non-polar, with leucine, which is neutral and non-polar, at codon 3339 of the NEB protein (p.Val3339Leu). This variant has not been reported in the literature in individuals affected with NEB-related conditions. In summary, the available evidence is currently insufficient to determine the role of this variant in disease. Therefore, it has been classified as a Variant of Uncertain Significance. Algorithms developed to predict the effect of missense changes on protein structure and function are either unavailable or do not agree on the potential impact of this missense change (SIFT: "Deleterious"; PolyPhen-2: "Not Available"; Align-GVGD: "Class C0").